The following is an entry in ClinVar:

ClinVar aggregate classification (germline): Uncertain significance (1 of 4 stars; one submission).

Conditions:
Cardiovascular phenotype. Identifiers: MedGen CN230736.

gnomAD v4.1: 32 of 1,612,266 alleles (0.002%); highest among the groups gnomAD compares: South Asian, 0.027%; no homozygotes.

Submission:

Ambry Genetics
Classification: Uncertain significance for Cardiovascular phenotype. Last evaluated: 2024-12-21. Review status: criteria provided, single submitter. Criteria: Ambry Variant Classification Scheme 2023. Collection method: clinical testing. Allele origin: germline.
Comment: The p.P333S variant (also known as c.997C>T), located in coding exon 7 of the LMF1 gene, results from a C to T substitution at nucleotide position 997. The proline at codon 333 is replaced by serine, an amino acid with similar properties. This amino acid position is conserved. In addition, this alteration is predicted to be tolerated by in silico analysis. Based on the available evidence, the clinical significance of this variant remains unclear.

NM_022773.4(LMF1):c.997C>T (p.Pro333Ser)

Gene: LMF1 (lipase maturation factor 1; minus strand). Cytogenetic location: 16p13.3.
Variant type: single nucleotide variant.
Coding change: c.997C>T on transcript NM_022773.4 (MANE Select); coding-DNA position 997, C replaced by T.
Protein change: p.Pro333Ser; replaces proline 333 with serine.
Molecular consequence: missense variant. On other transcripts: non-coding transcript variant (1).
Genome position (GRCh38, 1-based): chr16:871,242, G>A on the plus strand (C>T on the coding strand, the complement: LMF1 is on the minus strand). VCF-style: chr16-871242-G-A. GRCh37 (hg19) VCF-style: chr16-921242-G-A.
Other names: c.346C>T, p.Pro116Ser (NM_001352017.2, NM_001352021.2); c.598C>T, p.Pro200Ser (NM_001352018.2); c.670C>T, p.Pro224Ser (NM_001352019.2); c.997C>T, p.Pro333Ser (NM_001352020.1); short protein forms P224S, P200S, P116S, P333S.
Identifiers: ClinVar variation 3867463 (VCV003867463.1).